The following is an entry in ClinVar:

NM_001457.4(FLNB):c.2822C>A (p.Pro941Gln)

Gene: FLNB (filamin B; plus strand). Cytogenetic location: 3p14.3.
Variant type: single nucleotide variant.
Coding change: c.2822C>A on transcript NM_001457.4 (MANE Select); coding-DNA position 2822, C replaced by A.
Protein change: p.Pro941Gln; replaces proline 941 with glutamine.
Molecular consequence: missense variant.
Genome position (GRCh38, 1-based): chr3:58,118,948, C>A. VCF-style: chr3-58118948-C-A. GRCh37 (hg19) VCF-style: chr3-58104675-C-A.
Other names: c.2822C>A, p.Pro941Gln (NM_001164317.2, NM_001164318.2, NM_001164319.2); short protein forms P941Q.
Identifiers: ClinVar variation 4707418 (VCV004707418.1).

ClinVar aggregate classification (germline): Uncertain significance (1 of 4 stars; one submission).

Submission:

Labcorp Genetics (formerly Invitae), Labcorp
Classification: Uncertain significance. Last evaluated: 2025-02-24. Review status: criteria provided, single submitter. Criteria: Invitae Variant Classification Sherloc (09022015). Collection method: clinical testing. Allele origin: germline.
Comment: This sequence change replaces proline, which is neutral and non-polar, with glutamine, which is neutral and polar, at codon 941 of the FLNB protein (p.Pro941Gln). This variant is not present in population databases (gnomAD no frequency). This variant has not been reported in the literature in individuals affected with FLNB-related conditions. Invitae Evidence Modeling of protein sequence and biophysical properties (such as structural, functional, and spatial information, amino acid conservation, physicochemical variation, residue mobility, and thermodynamic stability) indicates that this missense variant is not expected to disrupt FLNB protein function with a negative predictive value of 95%. In summary, the available evidence is currently insufficient to determine the role of this variant in disease. Therefore, it has been classified as a Variant of Uncertain Significance.